The following is an entry in ClinVar:

NM_014159.7(SETD2):c.3649T>C (p.Trp1217Arg)

Gene: SETD2 (SET domain containing 2, histone lysine methyltransferase; minus strand). Cytogenetic location: 3p21.31.
Variant type: single nucleotide variant.
Coding change: c.3649T>C on transcript NM_014159.7 (MANE Select); coding-DNA position 3649, T replaced by C.
Protein change: p.Trp1217Arg; replaces tryptophan 1217 with arginine.
Molecular consequence: missense variant. On other transcripts: non-coding transcript variant (1).
Genome position (GRCh38, 1-based): chr3:47,120,987, A>G on the plus strand (T>C on the coding strand, the complement: SETD2 is on the minus strand). VCF-style: chr3-47120987-A-G. GRCh37 (hg19) VCF-style: chr3-47162477-A-G.
Other names: c.3517T>C, p.Trp1173Arg (NM_001349370.3); short protein forms W1173R, W1217R.
Identifiers: ClinVar variation 4882182 (VCV004882182.2).
Genomic context (GRCh38, chr3:47,120,987, plus strand): 5'-AACTCAATTCTGTTTTTCCCAGTCTACTATCTGGCCTGTTTTGGAAAGTGGTCTGTTGCC[A>G]AGACTTATTTGGGACATCTTCAAAATCAGAAGAATAAATTGGCAGCTCTTCTTGCTGCCT-3'
Protein context (NP_054878.5, residues 1207-1227): SDFEDVPNKS[Trp1217Arg]QQTTFQNRPD

ClinVar aggregate classification (germline): Uncertain significance (1 of 4 stars; one submission).

Submission:

Dasa
Classification: Uncertain significance. Last evaluated: 2024-12-13. Review status: criteria provided, single submitter. Criteria: DASA Assertion Criteria. Collection method: clinical testing. Allele origin: germline.
Comment: NM_014159.7(SETD2):c.3649T>C (p.Trp1217Arg) is a missense variant that results in the substitution of tryptophan with arginine. This variant is absent from population databases. Computational prediction algorithms are consistent with a benign effect. The currently available literature and clinical evidence are not sufficient to establish a definitive association between this variant and the reported condition. Therefore, this variant is classified as a variant of uncertain significance.